The following is an entry in ClinVar:

ClinVar aggregate classification (germline): Uncertain significance. Review status: criteria provided, multiple submitters, no conflicts (2 of 4 stars). 2 submissions from 2 submitters: Uncertain significance (2). Last evaluated 2020-11-12.

Conditions:
Cardiovascular phenotype. Identifiers: MedGen CN230736.

Allele frequency attached by ClinVar (database versions not stated): TOPMed below 0.00001; gnomAD 0.00001; gnomAD exomes 0.00001.
gnomAD v4.1: 10 of 1,613,634 alleles (0.00062%); highest among the groups gnomAD compares: African/African-American, 0.0013%; no homozygotes.

Submissions (2):

Mayo Clinic Laboratories, Mayo Clinic
Classification: Uncertain significance. Last evaluated: 2020-11-12. Review status: criteria provided, single submitter. Criteria: ACMG Guidelines, 2015. Collection method: clinical testing. Allele origin: germline. Observed: 1 variant allele.

Ambry Genetics
Classification: Uncertain significance for Cardiovascular phenotype. Last evaluated: 2020-03-18. Review status: criteria provided, single submitter. Criteria: Ambry Variant Classification Scheme 2023. Collection method: clinical testing. Allele origin: germline.
Comment: The p.W20317C variant (also known as c.60951G>C), located in coding exon 157 of the TTN gene, results from a G to C substitution at nucleotide position 60951. The tryptophan at codon 20317 is replaced by cysteine, an amino acid with highly dissimilar properties. This amino acid position is highly conserved in available vertebrate species. In addition, the in silico prediction for this alteration is inconclusive. Since supporting evidence is limited at this time, the clinical significance of this alteration remains unclear.

NM_001267550.2(TTN):c.88146G>C (p.Trp29382Cys)

Genes: TTN (titin; minus strand), TTN-AS1 (TTN antisense RNA 1; plus strand). Cytogenetic location: 2q31.2.
Variant type: single nucleotide variant.
Coding change: c.88146G>C on transcript NM_001267550.2 (MANE Select); coding-DNA position 88146, G replaced by C.
Protein change: p.Trp29382Cys; replaces tryptophan 29382 with cysteine.
Molecular consequence: missense variant.
Genome position (GRCh38, 1-based): chr2:178,557,008, C>G on the plus strand (G>C on the coding strand, the complement: TTN is on the minus strand). VCF-style: chr2-178557008-C-G. GRCh37 (hg19) VCF-style: chr2-179421735-C-G.
Other names: c.83223G>C, p.Trp27741Cys (NM_001256850.1); c.60951G>C, p.Trp20317Cys (NM_003319.4); c.80442G>C, p.Trp26814Cys (NM_133378.4); c.61326G>C, p.Trp20442Cys (NM_133432.3); c.61527G>C, p.Trp20509Cys (NM_133437.4); short protein forms W20317C, W20442C, W20509C, W26814C, W27741C, W29382C.
Identifiers: ClinVar variation 1162937 (VCV001162937.7), dbSNP rs937554101, ClinGen allele CA60981269.